The following is an entry in ClinVar:

ClinVar aggregate classification (germline): Likely benign (0 of 4 stars; one submission).

Conditions:
NCOA1-related disorder. Also called: NCOA1-related condition.

gnomAD v4.1: 4 of 1,614,022 alleles (0.00025%); highest among the groups gnomAD compares: Non-Finnish European, 0.00034%; no homozygotes.

Submission:

PreventionGenetics, part of Exact Sciences
Classification: Likely benign for NCOA1-related condition. Last evaluated: 2024-03-05. Review status: no assertion criteria provided. Collection method: clinical testing. Allele origin: germline.
Comment: This variant is classified as likely benign based on ACMG/AMP sequence variant interpretation guidelines (Richards et al. 2015 PMID: 25741868, with internal and published modifications).

NM_003743.5(NCOA1):c.2991T>C (p.Ser997=)

Gene: NCOA1 (nuclear receptor coactivator 1; plus strand). Cytogenetic location: 2p23.3.
Variant type: single nucleotide variant.
Coding change: c.2991T>C on transcript NM_003743.5 (MANE Select); coding-DNA position 2991, T replaced by C.
Protein change: p.Ser997=; no amino-acid change (serine 997 retained).
Molecular consequence: synonymous variant.
Genome position (GRCh38, 1-based): chr2:24,729,605, T>C. VCF-style: chr2-24729605-T-C. GRCh37 (hg19) VCF-style: chr2-24952474-T-C.
Other names: c.2991T>C, p.Ser997= (NM_001362950.1, NM_001362952.1, NM_001362954.1 and 3 more transcripts).
Identifiers: ClinVar variation 3357917 (VCV003357917.1).